The following is an entry in ClinVar:

ClinVar aggregate classification (germline): Likely benign. Review status: criteria provided, multiple submitters, no conflicts (2 of 4 stars). 2 submissions from 2 submitters: Likely benign (2). Last evaluated 2026-07-01.

Conditions:
Early-infantile DEE. Also called: Ohtahara syndrome; Early infantile epileptic encephalopathy; Early infantile epileptic encephalopathy with suppression bursts. Identifiers: Orphanet 1934, MedGen C0393706, MONDO:0800491.

Allele frequency attached by ClinVar (database versions not stated): ExAC 0.00001; gnomAD 0.00001; gnomAD exomes 0.00001; TOPMed 0.00001; ESP Exome Variant Server 0.00008.
gnomAD v4.1: 10 of 1,613,518 alleles (0.00062%); highest among the groups gnomAD compares: South Asian, 0.0033%; no homozygotes.

Submissions (2):

CeGaT Center for Human Genetics Tuebingen
Classification: Likely benign. Last evaluated: 2026-07-01. Review status: criteria provided, single submitter. Criteria: CeGaT Center For Human Genetics Tuebingen Variant Classification Criteria Version 2. Collection method: clinical testing. Allele origin: germline. Affected: yes. Observed: 1 variant allele.
Comment: KCNH5: BP4, BP7

Labcorp Genetics (formerly Invitae), Labcorp
Classification: Likely benign for Early-infantile DEE. Last evaluated: 2025-08-04. Review status: criteria provided, single submitter. Criteria: Invitae Variant Classification Sherloc (09022015). Collection method: clinical testing. Allele origin: germline.

NM_139318.5(KCNH5):c.1047C>T (p.Leu349=)

Gene: KCNH5 (potassium voltage-gated channel subfamily H member 5; minus strand). Cytogenetic location: 14q23.2.
Variant type: single nucleotide variant.
Coding change: c.1047C>T on transcript NM_139318.5 (MANE Select); coding-DNA position 1047, C replaced by T.
Protein change: p.Leu349=; no amino-acid change (leucine 349 retained).
Molecular consequence: synonymous variant.
Genome position (GRCh38, 1-based): chr14:62,950,455, G>A on the plus strand (C>T on the coding strand, the complement: KCNH5 is on the minus strand). VCF-style: chr14-62950455-G-A. GRCh37 (hg19) VCF-style: chr14-63417173-G-A.
Other names: c.1047C>T, p.Leu349= (NM_172375.3).
Identifiers: ClinVar variation 1153549 (VCV001153549.12), dbSNP rs377667112, ClinGen allele CA7217538.